The following is an entry in ClinVar:

ClinVar aggregate classification (germline): Benign/Likely benign. Review status: criteria provided, multiple submitters, no conflicts (2 of 4 stars). 4 submissions from 4 submitters: Benign (1); Likely benign (3). Last evaluated 2026-09-01.

Conditions:
Hypermethioninemia with deficiency of S-adenosylhomocysteine hydrolase. Identifiers: Orphanet 88618, MedGen C3151058, MONDO:0013404, OMIM 613752.

Allele frequency attached by ClinVar (database versions not stated): gnomAD 0.00006 and 0.00033; gnomAD exomes 0.00041 and 0.00071; ExAC 0.00098; 1000 Genomes Project 30x 0.00250; 1000 Genomes Project 0.00300.
gnomAD v4.1: 658 of 1,613,986 alleles (0.041%); highest among the groups gnomAD compares: South Asian, 0.52%; 8 homozygotes.

Submissions (4):

CeGaT Center for Human Genetics Tuebingen
Classification: Likely benign. Last evaluated: 2026-09-01. Review status: criteria provided, single submitter. Criteria: CeGaT Center For Human Genetics Tuebingen Variant Classification Criteria Version 2. Collection method: clinical testing. Allele origin: germline. Affected: yes. Observed: 1 variant allele.
Comment: AHCY: BP4, BP7

Labcorp Genetics (formerly Invitae), Labcorp
Classification: Benign for Hypermethioninemia with deficiency of S-adenosylhomocysteine hydrolase. Last evaluated: 2026-01-21. Review status: criteria provided, single submitter. Criteria: Invitae Variant Classification Sherloc (09022015). Collection method: clinical testing. Allele origin: germline.

Blueprint Genetics
Classification: Likely benign. Last evaluated: 2024-10-08. Review status: criteria provided, single submitter. Criteria: ACMG Guidelines, 2015. Collection method: clinical testing. Allele origin: germline.

Illumina Laboratory Services, Illumina
Classification: Likely benign for Hypermethioninemia with deficiency of S-adenosylhomocysteine hydrolase. Last evaluated: 2018-01-12. Review status: criteria provided, single submitter. Criteria: ICSL Variant Classification Criteria 13 December 2019. Collection method: clinical testing. Allele origin: germline.
Comment: This variant was observed in the ICSL laboratory as part of a predisposition screen in an ostensibly healthy population. It had not been previously curated by ICSL or reported in the Human Gene Mutation Database (HGMD: prior to June 1st, 2018), and was therefore a candidate for classification through an automated scoring system. Utilizing variant allele frequency, disease prevalence and penetrance estimates, and inheritance mode, an automated score was calculated to assess if this variant is too frequent to cause the disease. Based on the score and internal cut-off values, a variant classified as likely benign is not then subjected to further curation. The score for this variant resulted in a classification of likely benign for this disease.

NM_000687.4(AHCY):c.663T>C (p.Tyr221=)

Gene: AHCY (adenosylhomocysteinase; minus strand). Cytogenetic location: 20q11.22.
Variant type: single nucleotide variant.
Coding change: c.663T>C on transcript NM_000687.4 (MANE Select); coding-DNA position 663, T replaced by C.
Protein change: p.Tyr221=; no amino-acid change (tyrosine 221 retained).
Molecular consequence: synonymous variant.
Genome position (GRCh38, 1-based): chr20:34,290,834, A>G on the plus strand (T>C on the coding strand, the complement: AHCY is on the minus strand). VCF-style: chr20-34290834-A-G. GRCh37 (hg19) VCF-style: chr20-32878640-A-G.
Other names: c.579T>C, p.Tyr193= (NM_001161766.2, NM_001322084.2, NM_001322085.2); c.669T>C, p.Tyr223= (NM_001322086.2); c.663T>C, p.Tyr221= (NM_001362750.2).
Identifiers: ClinVar variation 338274 (VCV000338274.16), dbSNP rs58020044, ClinGen allele CA9820926.